The following is an entry in ClinVar:

ClinVar aggregate classification (germline): Benign (0 of 4 stars; one submission).

Conditions:
ALPK2-related disorder. Also called: ALPK2-related condition.

Allele frequency attached by ClinVar (database versions not stated): 1000 Genomes Project 30x 0.66708; 1000 Genomes Project 0.67173; TOPMed 0.68072; ESP Exome Variant Server 0.68253.
gnomAD v4.1: 1,228,576 of 1,613,292 alleles (76%); highest among the groups gnomAD compares: East Asian, 81%; 471,526 homozygotes.

Submission:

PreventionGenetics, part of Exact Sciences
Classification: Benign for ALPK2-related condition. Last evaluated: 2019-10-17. Review status: no assertion criteria provided. Collection method: clinical testing. Allele origin: germline.
Comment: This variant is classified as benign based on ACMG/AMP sequence variant interpretation guidelines (Richards et al. 2015 PMID: 25741868, with internal and published modifications).

NM_052947.4(ALPK2):c.3521A>C (p.His1174Pro)

Gene: ALPK2 (alpha kinase 2; minus strand). Cytogenetic location: 18q21.31.
Variant type: single nucleotide variant.
Coding change: c.3521A>C on transcript NM_052947.4 (MANE Select); coding-DNA position 3521, A replaced by C.
Protein change: p.His1174Pro; replaces histidine 1174 with proline.
Molecular consequence: missense variant.
Genome position (GRCh38, 1-based): chr18:58,536,666, T>G on the plus strand (A>C on the coding strand, the complement: ALPK2 is on the minus strand). VCF-style: chr18-58536666-T-G. GRCh37 (hg19) VCF-style: chr18-56203898-T-G.
Other names: short protein forms H1174P.
Identifiers: ClinVar variation 3059714 (VCV003059714.2), dbSNP rs3809977, ClinGen allele CA8976885.